The following is an entry in ClinVar:

NM_018975.4(TERF2IP):c.212T>G (p.Leu71Arg)

Gene: TERF2IP (TERF2 interacting protein; plus strand). Cytogenetic location: 16q23.1.
Variant type: single nucleotide variant.
Coding change: c.212T>G on transcript NM_018975.4 (MANE Select); coding-DNA position 212, T replaced by G.
Protein change: p.Leu71Arg; replaces leucine 71 with arginine.
Molecular consequence: missense variant. On other transcripts: non-coding transcript variant (1).
Genome position (GRCh38, 1-based): chr16:75,648,094, T>G. VCF-style: chr16-75648094-T-G. GRCh37 (hg19) VCF-style: chr16-75681992-T-G.
Other names: short protein forms L71R.
Identifiers: ClinVar variation 1786380 (VCV001786380.2), dbSNP rs2507073014, ClinGen allele CA396817447.

ClinVar aggregate classification (germline): Uncertain significance (1 of 4 stars; one submission).

Submission:

Ambry Genetics
Classification: Uncertain significance. Last evaluated: 2021-12-11. Review status: criteria provided, single submitter. Criteria: Ambry Variant Classification Scheme 2023. Collection method: clinical testing. Allele origin: germline.
Comment: The p.L71R variant (also known as c.212T>G), located in coding exon 1 of the TERF2IP gene, results from a T to G substitution at nucleotide position 212. The leucine at codon 71 is replaced by arginine, an amino acid with dissimilar properties. This amino acid position is conserved. In addition, this alteration is predicted to be tolerated by in silico analysis. Since supporting evidence is limited at this time, the clinical significance of this alteration remains unclear.